The following is an entry in ClinVar:

ClinVar aggregate classification (germline): Uncertain significance (1 of 4 stars; one submission).

Submission:

Mayo Clinic Laboratories, Mayo Clinic
Classification: Uncertain significance. Last evaluated: 2024-09-10. Review status: criteria provided, single submitter. Criteria: ACMG Guidelines, 2015. Collection method: clinical testing. Allele origin: germline. Observed: 1 variant allele.
Comment: PP3, PP4, PM2, PM3

Literature cited by the submitters: PubMed 38269462; PubMed 38778342.

NM_000155.4(GALT):c.829T>C (p.Ser277Pro)

Gene: GALT (galactose-1-phosphate uridylyltransferase; plus strand). Cytogenetic location: 9p13.3.
Variant type: single nucleotide variant.
Coding change: c.829T>C on transcript NM_000155.4 (MANE Select); coding-DNA position 829, T replaced by C.
Protein change: p.Ser277Pro; replaces serine 277 with proline.
Molecular consequence: missense variant.
Genome position (GRCh38, 1-based): chr9:34,649,006, T>C. VCF-style: chr9-34649006-T-C. GRCh37 (hg19) VCF-style: chr9-34649003-T-C.
Other names: p.Ser277Pro; c.502T>C, p.Ser168Pro (NM_001258332.2); short protein forms S168P, S277P.
Identifiers: ClinVar variation 3379861 (VCV003379861.1).